The following is an entry in ClinVar:

ClinVar aggregate classification (germline): Conflicting classifications of pathogenicity. Review status: criteria provided, conflicting classifications (1 of 4 stars). 3 submissions from 3 submitters: Uncertain significance (2); Likely benign (1). Last evaluated 2026-08-16.

Conditions:
Familial thoracic aortic aneurysm and aortic dissection (TAAD). Also called: Thoracic aortic aneurysms and dissections. Identifiers: Orphanet 91387, MedGen C4707243, MONDO:0019625.
Ehlers-Danlos syndrome, classic type, 1 (EDSCL1). Also called: EDS I; EHLERS-DANLOS SYNDROME, GRAVIS TYPE; EHLERS-DANLOS SYNDROME, SEVERE CLASSIC TYPE; Ehlers-Danlos syndrome, type 1; Ehlers-Danlos Syndrome, Classic Type, COL5A1-Related. Identifiers: MedGen C0268335, MONDO:0019567, OMIM 130000.

Allele frequency attached by ClinVar (database versions not stated): TOPMed 0.00002; gnomAD exomes 0.00002; ExAC 0.00002; gnomAD 0.00002; ESP Exome Variant Server 0.00008.
gnomAD v4.1: 34 of 1,613,574 alleles (0.0021%); highest among the groups gnomAD compares: Non-Finnish European, 0.0028%; no homozygotes.

Submissions (3):

Ambry Genetics
Classification: Likely benign for Familial thoracic aortic aneurysm and aortic dissection. Last evaluated: 2026-08-16. Review status: criteria provided, single submitter. Criteria: Ambry Variant Classification Scheme 2023. Collection method: clinical testing. Allele origin: germline.

Labcorp Genetics (formerly Invitae), Labcorp
Classification: Uncertain significance for Ehlers-Danlos syndrome, classic type, 1. Last evaluated: 2025-10-29. Review status: criteria provided, single submitter. Criteria: Invitae Variant Classification Sherloc (09022015). Collection method: clinical testing. Allele origin: germline.
Comment: This sequence change replaces proline, which is neutral and non-polar, with serine, which is neutral and polar, at codon 752 of the COL5A2 protein (p.Pro752Ser). This variant is present in population databases (rs372270389, gnomAD 0.004%). This variant has not been reported in the literature in individuals affected with COL5A2-related conditions. ClinVar contains an entry for this variant (Variation ID: 1303622). Invitae Evidence Modeling of protein sequence and biophysical properties (such as structural, functional, and spatial information, amino acid conservation, physicochemical variation, residue mobility, and thermodynamic stability) indicates that this missense variant is not expected to disrupt COL5A2 protein function with a negative predictive value of 80%. In summary, the available evidence is currently insufficient to determine the role of this variant in disease. Therefore, it has been classified as a Variant of Uncertain Significance.

GeneDx
Classification: Uncertain significance. Last evaluated: 2020-03-20. Review status: criteria provided, single submitter. Criteria: GeneDx Variant Classification Process June 2021. Collection method: clinical testing. Allele origin: germline. Affected: yes.
Comment: Not observed at a significant frequency in large population cohorts (Lek et al., 2016); In silico analysis supports that this missense variant has a deleterious effect on protein structure/function; Has not been previously published as pathogenic or benign to our knowledge

NM_000393.5(COL5A2):c.2254C>T (p.Pro752Ser)

Gene: COL5A2 (collagen type V alpha 2 chain; minus strand). Cytogenetic location: 2q32.2.
Variant type: single nucleotide variant.
Coding change: c.2254C>T on transcript NM_000393.5 (MANE Select); coding-DNA position 2254, C replaced by T.
Protein change: p.Pro752Ser; replaces proline 752 with serine.
Molecular consequence: missense variant.
Genome position (GRCh38, 1-based): chr2:189,057,403, G>A on the plus strand (C>T on the coding strand, the complement: COL5A2 is on the minus strand). VCF-style: chr2-189057403-G-A. GRCh37 (hg19) VCF-style: chr2-189922129-G-A.
Other names: short protein forms P752S.
Identifiers: ClinVar variation 1303622 (VCV001303622.8), dbSNP rs372270389, ClinGen allele CA2022394.
Genomic context (GRCh38, chr2:189,057,403, plus strand): 5'-TTCCTGCAATTCCTCTTTCTCCCGGCATACCTTGAAGACCTGGTGGGCCTGTATCTCCAG[G>A]GGTCCCAGATGGACCTGGACTGCCCTAAAATGAACCAACATTAAGTGACCATACCAATAA-3'
Protein context (NP_000384.2, residues 742-762): PKGSPGPSGT[Pro752Ser]GDTGPPGLQG